The following is an entry in ClinVar:

ClinVar aggregate classification (germline): Uncertain significance (1 of 4 stars; one submission).

Conditions:
Hyperphosphatasia with intellectual disability syndrome 5 (GPIBD11). Also called: GLYCOSYLPHOSPHATIDYLINOSITOL BIOSYNTHESIS DEFECT 11. Identifiers: Orphanet 247262, MedGen C4014958, MONDO:0014457, OMIM 616025.

Allele frequency attached by ClinVar (database versions not stated): TOPMed below 0.00001; ExAC 0.00002; gnomAD exomes 0.00001; gnomAD 0.00003.
gnomAD v4.1: 27 of 1,613,972 alleles (0.0017%); highest among the groups gnomAD compares: African/African-American, 0.017%; no homozygotes.

Submission:

Labcorp Genetics (formerly Invitae), Labcorp
Classification: Uncertain significance for Hyperphosphatasia with intellectual disability syndrome 5. Last evaluated: 2022-07-05. Review status: criteria provided, single submitter. Criteria: Invitae Variant Classification Sherloc (09022015). Collection method: clinical testing. Allele origin: germline.
Comment: This sequence change replaces proline, which is neutral and non-polar, with leucine, which is neutral and non-polar, at codon 51 of the PIGW protein (p.Pro51Leu). This variant is present in population databases (rs112443711, gnomAD 0.008%). This variant has not been reported in the literature in individuals affected with PIGW-related conditions. ClinVar contains an entry for this variant (Variation ID: 1421255). Algorithms developed to predict the effect of missense changes on protein structure and function (SIFT, PolyPhen-2, Align-GVGD) all suggest that this variant is likely to be tolerated. In summary, the available evidence is currently insufficient to determine the role of this variant in disease. Therefore, it has been classified as a Variant of Uncertain Significance.

NM_001346754.2(PIGW):c.152C>T (p.Pro51Leu)

Genes: MYO19 (myosin XIX; minus strand), PIGW (phosphatidylinositol glycan anchor biosynthesis class W; plus strand). Cytogenetic location: 17q12.
Variant type: single nucleotide variant.
Coding change: c.152C>T on transcript NM_001346754.2 (MANE Select); coding-DNA position 152, C replaced by T.
Protein change: p.Pro51Leu; replaces proline 51 with leucine.
Molecular consequence: missense variant.
Genome position (GRCh38, 1-based): chr17:36,537,253, C>T. VCF-style: chr17-36537253-C-T. GRCh37 (hg19) VCF-style: chr17-34893102-C-T.
Other names: c.152C>T, p.Pro51Leu (NM_001346755.2, NM_178517.5); short protein forms P51L.
Identifiers: ClinVar variation 1421255 (VCV001421255.3), dbSNP rs112443711, ClinGen allele CA290115743.
Genomic context (GRCh38, chr17:36,537,253, plus strand): 5'-TCTGTATCCTGTGCAGAGGGTTCCTGATCATTTTCTCACAGTACTTGTGTTCTTTTTCAC[C>T]TACCTGGAAAACTAGATTCCTCACTGACTTTGTTGTCCTAATAGTTCCCATGGTAGCCAC-3'
Protein context (NP_001333683.1, residues 41-61): IFSQYLCSFS[Pro51Leu]TWKTRFLTDF